The following is an entry in ClinVar:

ClinVar aggregate classification (germline): Pathogenic (1 of 4 stars; one submission).

Submission:

Illumina Laboratory Services, Illumina
Classification: Pathogenic. Last evaluated: 2023-05-05. Review status: criteria provided, single submitter. Criteria: ICSL CNVClassificationCriteria Aug2020. Collection method: clinical testing. Allele origin: unknown.
Comment: This CNV is a 980 kb deletion of 20p13 on chromosome 20, seq[GRCh37]del(20)(p13), NC_000020.10:g.61001_1041262del, which is found in a de novo state. This CNV encompasses 21 protein coding genes, including the CSNK2A1, SOX12, NRSN2 genes. Similar 20p13 microdeletions, including in a de novo state, have been reported in individuals with features including developmental delay, learning and intellectual disability, short stature, microcephaly, seizures, and variable facial dysmorphism (PMID: 19344873; 24019301; 31087544; 33678341). Similar CNVs have not been observed in controls (PMID: 21841781; 24174537). Based on the available evidence, this CNV is classified as pathogenic.

Single allele

Genes: ANGPT4 (angiopoietin 4; minus strand), C20orf96 (chromosome 20 open reading frame 96; minus strand), CSNK2A1 (casein kinase 2 alpha 1; minus strand), DEFB125 (defensin beta 125; plus strand), DEFB126 (defensin beta 126; plus strand) and 16 more. Cytogenetic location: 20p13.
Variant type: Deletion.
Identifiers: ClinVar variation 2671604 (VCV002671604.1).